The following is an entry in ClinVar:

NM_006393.3(NEBL):c.2332A>T (p.Asn778Tyr)

Gene: NEBL (nebulette; minus strand). Cytogenetic location: 10p12.31.
Variant type: single nucleotide variant.
Coding change: c.2332A>T on transcript NM_006393.3 (MANE Select); coding-DNA position 2332, A replaced by T.
Protein change: p.Asn778Tyr; replaces asparagine 778 with tyrosine.
Molecular consequence: missense variant. On other transcripts: intron variant (9).
Genome position (GRCh38, 1-based): chr10:20,813,953, T>A on the plus strand (A>T on the coding strand, the complement: NEBL is on the minus strand). VCF-style: chr10-20813953-T-A. GRCh37 (hg19) VCF-style: chr10-21102882-T-A.
Other names: c.250-1013A>T (NM_001377326.1, NM_001377327.1, NM_001377328.1); c.358-1013A>T (NM_213569.2, NM_001173484.2, NM_001377322.1); c.301-1013A>T (NM_001377324.1); c.292-1013A>T (NM_001377325.1); c.310-1013A>T (NM_001377323.1); short protein forms N778Y.
Identifiers: ClinVar variation 2808017 (VCV002808017.3), dbSNP rs2491611316, ClinGen allele CA376093593.

ClinVar aggregate classification (germline): Uncertain significance (1 of 4 stars; one submission).

Conditions:
Primary dilated cardiomyopathy (DCM). Also called: Dilated Cardiomyopathy. Identifiers: Orphanet 217604, MedGen C0007193, MeSH D002311, MONDO:0005021, HP:0001644. Inheritance: Various modes of inheritance.

Submission:

Labcorp Genetics (formerly Invitae), Labcorp
Classification: Uncertain significance for Primary dilated cardiomyopathy. Last evaluated: 2023-09-05. Review status: criteria provided, single submitter. Criteria: Invitae Variant Classification Sherloc (09022015). Collection method: clinical testing. Allele origin: germline.
Comment: In summary, the available evidence is currently insufficient to determine the role of this variant in disease. Therefore, it has been classified as a Variant of Uncertain Significance. An algorithm developed to predict the effect of missense changes on protein structure and function (PolyPhen-2) suggests that this variant is likely to be disruptive. This variant has not been reported in the literature in individuals affected with NEBL-related conditions. This variant is not present in population databases (gnomAD no frequency). This sequence change replaces asparagine, which is neutral and polar, with tyrosine, which is neutral and polar, at codon 778 of the NEBL protein (p.Asn778Tyr).